The following is an entry in ClinVar:

ClinVar aggregate classification (germline): Pathogenic. Review status: criteria provided, multiple submitters, no conflicts (2 of 4 stars). 2 submissions from 2 submitters: Pathogenic (2). Last evaluated 2021-09-11.
ClinVar aggregate classification (somatic clinical impact): Tier I - Strong (1 of 4 stars; one submission).

Conditions:
Familial multiple nevi flammei. Also called: CAPILLARY MALFORMATIONS, CONGENITAL, 1, SOMATIC, MOSAIC; PORT-WINE STAIN. Identifiers: Orphanet 624, MedGen C2931029, MONDO:0008094, OMIM 163000.
Capillary malformation (CMC). Also called: Capillary malformations, congenital; CAPILLARY MALFORMATIONS. Identifiers: Orphanet 211247, MedGen C0340803, MONDO:0016231, HP:0025104.

Submissions (3):

Institute for Genomic Medicine (IGM) Clinical Laboratory, Nationwide Children's Hospital
Classification: Tier I - Strong for Capillary malformation. Assertion type: diagnostic. Clinical significance: supports diagnosis. Last evaluated: 2024-12-31. Review status: criteria provided, single submitter. Criteria: AMP/ASCO/CAP Guidelines, 2017. Collection method: clinical testing. Allele origin: somatic. Affected: yes.
Comment: Variant has Tier I (strong) clinical significance as a diagnostic inclusion criterion in capillary malformation, based on the following evidence: 1) Documented in one or more cancer databases (e.g., St. Jude Pecan, COSMIC, CIViC, OncoKB). 2) Appears in one or more well-established professional guidelines (e.g., World Health Organization [WHO]; National Comprehensive Cancer Network [NCCN]) as providing diagnostic, prognostic, or therapeutic information. 3) Diagnostic for a specific tumor type/classification according to professional guidelines (Evidence Level A; PMIDs: 23656586, 30677207, 31189994, 38917801, 39367533).

Seattle Children's Hospital Molecular Genetics Laboratory, Seattle Children's Hospital
Classification: Pathogenic. Last evaluated: 2021-09-11. Review status: criteria provided, single submitter. Criteria: ACMG Guidelines, 2015. Collection method: clinical testing. Allele origin: somatic. Affected: yes.
Comment: This variant has previously been reported as a somatic change in patients with vascular anomalies (PMID: 27058448, PMID: 30677207, PMID: ), and is absent from large population databases (Genome Aggregation Database v2.1.1).

Equipe Genetique des Anomalies du Developpement, Université de Bourgogne
Classification: Pathogenic for Familial multiple nevi flammei. Review status: criteria provided, single submitter. Criteria: ACMG Guidelines, 2015. Collection method: clinical testing. Allele origin: somatic. Affected: yes.

Literature cited by the submitters: PubMed 23656586 (cited by Institute for Genomic Medicine (IGM) Clinical Laboratory, Nationwide Children's Hospital); PubMed 30677207 (cited by Institute for Genomic Medicine (IGM) Clinical Laboratory, Nationwide Children's Hospital); PubMed 31189994 (cited by Institute for Genomic Medicine (IGM) Clinical Laboratory, Nationwide Children's Hospital); PubMed 38917801 (cited by Institute for Genomic Medicine (IGM) Clinical Laboratory, Nationwide Children's Hospital); PubMed 39367533 (cited by Institute for Genomic Medicine (IGM) Clinical Laboratory, Nationwide Children's Hospital).

NM_002072.5(GNAQ):c.627A>C (p.Gln209His)

Gene: GNAQ (G protein subunit alpha q; minus strand). Cytogenetic location: 9q21.2.
Variant type: single nucleotide variant.
Coding change: c.627A>C on transcript NM_002072.5 (MANE Select); coding-DNA position 627, A replaced by C.
Protein change: p.Gln209His; replaces glutamine 209 with histidine.
Molecular consequence: missense variant.
Genome position (GRCh38, 1-based): chr9:77,794,571, T>G on the plus strand (A>C on the coding strand, the complement: GNAQ is on the minus strand). VCF-style: chr9-77794571-T-G. GRCh37 (hg19) VCF-style: chr9-80409487-T-G.
Other names: short protein forms Q209H.
Identifiers: ClinVar variation 1172601 (VCV001172601.4), dbSNP rs2118444312, ClinGen allele CA373997884.